The following is an entry in ClinVar:

NM_004991.4(MECOM):c.3484A>G (p.Met1162Val)

Gene: MECOM (MDS1 and EVI1 complex locus; minus strand). Cytogenetic location: 3q26.2.
Variant type: single nucleotide variant.
Coding change: c.3484A>G on transcript NM_004991.4 (MANE Select); coding-DNA position 3484, A replaced by G.
Protein change: p.Met1162Val; replaces methionine 1162 with valine.
Molecular consequence: missense variant.
Genome position (GRCh38, 1-based): chr3:169,089,101, T>C on the plus strand (A>G on the coding strand, the complement: MECOM is on the minus strand). VCF-style: chr3-169089101-T-C. GRCh37 (hg19) VCF-style: chr3-168806889-T-C.
Other names: c.3115A>G, p.Met1039Val (NM_001105077.4); c.2920A>G, p.Met974Val (NM_001105078.4, NM_001205194.2, NM_001366469.2 and 1 more transcripts); c.2896A>G, p.Met966Val (NM_001163999.2, NM_001366470.2); c.2893A>G, p.Met965Val (NM_001164000.2, NM_001366471.2, NM_001366472.2); c.3457A>G, p.Met1153Val (NM_001366466.2); c.2923A>G, p.Met975Val (NM_001366467.2, NM_001366468.2); c.2485A>G, p.Met829Val (NM_001366473.2); c.1921A>G, p.Met641Val (NM_001366474.2); short protein forms M641V, M829V, M966V, M1039V, M1153V, M974V, M975V, M965V.
Identifiers: ClinVar variation 3690123 (VCV003690123.2).

ClinVar aggregate classification (germline): Uncertain significance (1 of 4 stars; one submission).

Submission:

Labcorp Genetics (formerly Invitae), Labcorp
Classification: Uncertain significance. Last evaluated: 2024-11-19. Review status: criteria provided, single submitter. Criteria: Invitae Variant Classification Sherloc (09022015). Collection method: clinical testing. Allele origin: germline.
Comment: This sequence change replaces methionine, which is neutral and non-polar, with valine, which is neutral and non-polar, at codon 974 of the MECOM protein (p.Met974Val). This variant is not present in population databases (gnomAD no frequency). This variant has not been reported in the literature in individuals affected with MECOM-related conditions. An algorithm developed to predict the effect of missense changes on protein structure and function (PolyPhen-2) suggests that this variant is likely to be tolerated. In summary, the available evidence is currently insufficient to determine the role of this variant in disease. Therefore, it has been classified as a Variant of Uncertain Significance.